The following is an entry in ClinVar:

ClinVar aggregate classification (germline): Pathogenic (1 of 4 stars; one submission).

Conditions:
Hereditary cancer-predisposing syndrome. Also called: Hereditary neoplastic syndrome; Hereditary Cancer Syndrome; Neoplastic Syndromes, Hereditary; Tumor predisposition. Identifiers: Orphanet 140162, MedGen C0027672, MeSH D009386, MONDO:0015356.

Submission:

Ambry Genetics
Classification: Pathogenic for Hereditary cancer-predisposing syndrome. Last evaluated: 2023-04-19. Review status: criteria provided, single submitter. Criteria: Ambry Variant Classification Scheme 2023. Collection method: clinical testing. Allele origin: germline.
Comment: The c.424_443del20 variant, located in coding exon 4 of the SDHA gene, results from a deletion of 20 nucleotides at nucleotide positions 424 to 443, causing a translational frameshift with a predicted alternate stop codon (p.M142Rfs*13). This variant is considered to be rare based on population cohorts in the Genome Aggregation Database (gnomAD). This alteration is expected to result in loss of function by premature protein truncation or nonsense-mediated mRNA decay. As such, this alteration is interpreted as a disease-causing mutation.

NM_004168.4(SDHA):c.424_443del (p.Met142fs)

Gene: SDHA (succinate dehydrogenase complex flavoprotein subunit A; plus strand). Cytogenetic location: 5p15.33.
Variant type: Deletion.
Coding change: c.424_443del on transcript NM_004168.4 (MANE Select); coding-DNA positions 424 to 443, 20 bases deleted (ATGACGGAGCAGGCCCCCGC).
Protein change: p.Met142fs; shifts the reading frame from methionine 142.
Molecular consequence: frameshift variant. On other transcripts: intron variant (1).
Genome position (GRCh38, 1-based): chr5:225,530-225,549, ATGACGGAGCAGGCCCCCGC deleted; deleting any 20 consecutive bases within chr5:225,529-225,549 gives the same sequence; the c. name uses the placement nearest the transcript's 3' end. VCF-style (leftmost placement, unchanged base first): chr5-225528-ACATGACGGAGCAGGCCCCCG-A. GRCh37 (hg19) VCF-style: chr5-225643-ACATGACGGAGCAGGCCCCCG-A.
Other names: c.424_443del, p.Met142fs (NM_001330758.2); c.313-353_313-334del (NM_001294332.2); short protein forms M142fs.
Identifiers: ClinVar variation 2567090 (VCV002567090.2), dbSNP rs2477295482, ClinGen allele CA2580613494.